The following is an entry in ClinVar:

NM_024537.4(CARS2):c.571+2T>C

Gene: CARS2 (cysteinyl-tRNA synthetase 2, mitochondrial; minus strand). Cytogenetic location: 13q34.
Variant type: single nucleotide variant.
Coding change: c.571+2T>C on transcript NM_024537.4 (MANE Select); the canonical splice donor site of the intron after coding-DNA position 571, T replaced by C.
Molecular consequence: splice donor variant.
Genome position (GRCh38, 1-based): chr13:110,687,719, A>G on the plus strand (T>C on the coding strand, the complement: CARS2 is on the minus strand). VCF-style: chr13-110687719-A-G. GRCh37 (hg19) VCF-style: chr13-111340066-A-G.
Other names: c.-429+2T>C (NM_001352252.2); c.571+2T>C (NM_001352253.3).
Identifiers: ClinVar variation 1014030 (VCV001014030.9), dbSNP rs749363417, ClinGen allele CA388738019.

ClinVar aggregate classification (germline): Uncertain significance (1 of 4 stars; one submission).

Conditions:
Combined oxidative phosphorylation defect type 27. Also called: Combined oxidative phosphorylation deficiency 27. Identifiers: Orphanet 477774, MedGen C5567608, MONDO:0014728, OMIM 616672.

gnomAD v4.1: 1 of 1,559,560 alleles (0.000064%); no homozygotes.

Submissions (3):

Labcorp Genetics (formerly Invitae), Labcorp
Classification: Uncertain significance for Combined oxidative phosphorylation defect type 27. Last evaluated: 2020-02-10. Review status: criteria provided, single submitter. Criteria: Invitae Variant Classification Sherloc (09022015). Collection method: clinical testing. Allele origin: germline.
Comment: In summary, the available evidence is currently insufficient to determine the role of this variant in disease. Therefore, it has been classified as a Variant of Uncertain Significance. The current clinical and genetic evidence is not sufficient to establish whether loss-of-function variants in CARS2 cause disease. Algorithms developed to predict the effect of sequence changes on RNA splicing suggest that this variant may disrupt the consensus splice site, but this prediction has not been confirmed by published transcriptional studies. This variant has not been reported in the literature in individuals with CARS2-related conditions. This variant is not present in population databases (ExAC no frequency). This sequence change affects a donor splice site in intron 5 of the CARS2 gene. It is expected to disrupt RNA splicing and likely results in an absent or disrupted protein product.

Dr. Peter K. Rogan Lab, Western University
No classification provided (evidence only). Condition: Thyroid cancer, nonmedullary, 1. Review status: no classification provided. Collection method: in vitro. Allele origin: not applicable. Functional consequence: skipped exon. Not counted in ClinVar's aggregate classification.

Dr. Peter K. Rogan Lab, Western University
No classification provided (evidence only). Condition: Nonpapillary renal cell carcinoma. Review status: no classification provided. Collection method: in vitro. Allele origin: not applicable. Functional consequence: retained intron. Not counted in ClinVar's aggregate classification.